The following is an entry in ClinVar:

ClinVar aggregate classification (germline): Uncertain significance (1 of 4 stars; one submission).

Conditions:
Familial thoracic aortic aneurysm and aortic dissection (TAAD). Also called: Thoracic aortic aneurysms and dissections. Identifiers: Orphanet 91387, MedGen C4707243, MONDO:0019625.

Submission:

All of Us Research Program, National Institutes of Health
Classification: Uncertain significance for Familial thoracic aortic aneurysm and aortic dissection. Last evaluated: 2023-05-31. Review status: criteria provided, single submitter. Criteria: ACMG Guidelines, 2015. Collection method: clinical testing. Allele origin: germline. Inheritance: Autosomal dominant inheritance. Observed: 1 variant allele, 1 heterozygote.
Comment: This study involves interpretation of variants in research participants for the purpose of population health screening. Participant phenotype was not available at the time of variant classification. Additional details can be found in publication PMID: 35346344, PMCID: PMC8962531

NM_002474.3(MYH11):c.413T>C (p.Ile138Thr)

Gene: MYH11 (myosin heavy chain 11; minus strand). Cytogenetic location: 16p13.11.
Variant type: single nucleotide variant.
Coding change: c.413T>C on transcript NM_002474.3 (MANE Select); coding-DNA position 413, T replaced by C.
Protein change: p.Ile138Thr; replaces isoleucine 138 with threonine.
Molecular consequence: missense variant.
Genome position (GRCh38, 1-based): chr16:15,823,344, A>G on the plus strand (T>C on the coding strand, the complement: MYH11 is on the minus strand). VCF-style: chr16-15823344-A-G. GRCh37 (hg19) VCF-style: chr16-15917201-A-G.
Other names: c.413T>C, p.Ile138Thr (NM_001040113.2, NM_001040114.2, NM_022844.3); short protein forms I138T.
Identifiers: ClinVar variation 3071302 (VCV003071302.1), dbSNP rs2506953522, ClinGen allele CA394882503.